The following is an entry in ClinVar:

ClinVar aggregate classification (germline): Uncertain significance (1 of 4 stars; one submission).

Submission:

Ambry Genetics
Classification: Uncertain significance. Last evaluated: 2025-03-17. Review status: criteria provided, single submitter. Criteria: Ambry Variant Classification Scheme 2023. Collection method: clinical testing. Allele origin: germline.
Comment: The p.P864R variant (also known as c.2591C>G), located in coding exon 11 of the WNK2 gene, results from a C to G substitution at nucleotide position 2591. The proline at codon 864 is replaced by arginine, an amino acid with dissimilar properties. This amino acid position is conserved. In addition, this alteration is predicted to be tolerated by in silico analysis. Based on the available evidence, the clinical significance of this variant remains unclear.

NM_006648.4(WNK2):c.2591C>G (p.Pro864Arg)

Gene: WNK2 (WNK lysine deficient protein kinase 2; plus strand). Cytogenetic location: 9q22.31.
Variant type: single nucleotide variant.
Coding change: c.2591C>G on transcript NM_006648.4 (MANE Select); coding-DNA position 2591, C replaced by G.
Protein change: p.Pro864Arg; replaces proline 864 with arginine.
Molecular consequence: missense variant.
Genome position (GRCh38, 1-based): chr9:93,259,139, C>G. VCF-style: chr9-93259139-C-G. GRCh37 (hg19) VCF-style: chr9-96021421-C-G.
Other names: c.2591C>G, p.Pro864Arg (NM_001282394.3); short protein forms P864R.
Identifiers: ClinVar variation 3981660 (VCV003981660.1).
Genomic context (GRCh38, chr9:93,259,139, plus strand): 5'-CTGCCCCACTCCCCCCTGCGTCCCCAGCCTTGCCTCTGCAGGCTGTGAAGCTGCCCCACC[C>G]CCCTGGGGCGCCCCTGGCCATGCCCTGCCGGACCATTGTGCCAAATGCACCGGCCACTAT-3'
Protein context (NP_006639.3, residues 854-874): LPLQAVKLPH[Pro864Arg]PGAPLAMPCR